The following is an entry in ClinVar:

ClinVar aggregate classification (germline): Uncertain significance. Review status: criteria provided, single submitter (1 of 4 stars). 2 submissions from 2 submitters: Uncertain significance (1). 1 of the submissions does not count toward it. Last evaluated 2023-03-31.

Conditions:
EP300-related disorder. Also called: EP300-related condition; EP300-related disorders.
Rubinstein-Taybi syndrome due to EP300 haploinsufficiency. Also called: RUBINSTEIN-TAYBI SYNDROME 2; EP300-Related Rubinstein-Taybi Syndrome. Identifiers: Orphanet 353284, Orphanet 783, MedGen C3150941, MONDO:0013364, OMIM 613684.

Allele frequency attached by ClinVar (database versions not stated): gnomAD exomes below 0.00001; TOPMed 0.00001.
gnomAD v4.1: 6 of 1,614,118 alleles (0.00037%); highest among the groups gnomAD compares: Non-Finnish European, 0.00051%; no homozygotes.

Submissions (2):

Labcorp Genetics (formerly Invitae), Labcorp
Classification: Uncertain significance for Rubinstein-Taybi syndrome due to EP300 haploinsufficiency. Last evaluated: 2023-03-31. Review status: criteria provided, single submitter. Criteria: Invitae Variant Classification Sherloc (09022015). Collection method: clinical testing. Allele origin: germline.
Comment: This sequence change replaces methionine, which is neutral and non-polar, with valine, which is neutral and non-polar, at codon 2158 of the EP300 protein (p.Met2158Val). This variant has not been reported in the literature in individuals affected with EP300-related conditions. This variant is present in population databases (no rsID available, gnomAD 0.004%). Advanced modeling of protein sequence and biophysical properties (such as structural, functional, and spatial information, amino acid conservation, physicochemical variation, residue mobility, and thermodynamic stability) performed at Invitae indicates that this missense variant is not expected to disrupt EP300 protein function. In summary, the available evidence is currently insufficient to determine the role of this variant in disease. Therefore, it has been classified as a Variant of Uncertain Significance.

PreventionGenetics, part of Exact Sciences
Classification: Uncertain significance for EP300-related condition. Last evaluated: 2024-05-17. Review status: no assertion criteria provided. Collection method: clinical testing. Allele origin: germline. Not counted in ClinVar's aggregate classification.
Comment: The EP300 c.6472A>G variant is predicted to result in the amino acid substitution p.Met2158Val. To our knowledge, this variant has not been reported in the literature. This variant is reported in 0.0046% of alleles in individuals of European (Finnish) descent in gnomAD. At this time, the clinical significance of this variant is uncertain due to the absence of conclusive functional and genetic evidence.

NM_001429.4(EP300):c.6472A>G (p.Met2158Val)

Gene: EP300 (EP300 lysine acetyltransferase; plus strand). Cytogenetic location: 22q13.2.
Variant type: single nucleotide variant.
Coding change: c.6472A>G on transcript NM_001429.4 (MANE Select); coding-DNA position 6472, A replaced by G.
Protein change: p.Met2158Val; replaces methionine 2158 with valine.
Molecular consequence: missense variant.
Genome position (GRCh38, 1-based): chr22:41,178,183, A>G. VCF-style: chr22-41178183-A-G. GRCh37 (hg19) VCF-style: chr22-41574187-A-G.
Other names: c.6472A>G (NM_001429.3); c.6394A>G, p.Met2132Val (NM_001362843.2); short protein forms M2132V, M2158V.
Identifiers: ClinVar variation 2721052 (VCV002721052.4), dbSNP rs1367145568, ClinGen allele CA411682040.